The following is an entry in ClinVar:

NM_014363.6(SACS):c.5897dup (p.Asp1966fs)

Gene: SACS (sacsin molecular chaperone; minus strand). Cytogenetic location: 13q12.12.
Variant type: Duplication.
Coding change: c.5897dup on transcript NM_014363.6 (MANE Select); coding-DNA position 5897, one base duplicated (A; older notation c.5897dupA).
Protein change: p.Asp1966fs; shifts the reading frame from aspartic acid 1966.
Molecular consequence: frameshift variant.
Genome position (GRCh38, 1-based): chr13:23,337,979, T duplicated on the plus strand (A on the coding strand, the reverse complement: SACS is on the minus strand). VCF-style (leftmost placement, unchanged base first): chr13-23337978-A-AT. GRCh37 (hg19) VCF-style: chr13-23912117-A-AT.
Other names: c.5456dup, p.Asp1819fs (NM_001278055.2); short protein forms D1819fs, D1966fs.
Identifiers: ClinVar variation 4061018 (VCV004061018.2).

ClinVar aggregate classification (germline): Likely pathogenic (1 of 4 stars; one submission).

Conditions:
Charlevoix-Saguenay spastic ataxia (SACS). Also called: AUTOSOMAL RECESSIVE SPASTIC ATAXIA OF CHARLEVOIX-SAGUENAY; Spastic ataxia of Charlevoix-Saguenay; SPASTIC ATAXIA 6, AUTOSOMAL RECESSIVE. Identifiers: Orphanet 98, MedGen C1849140, MONDO:0010041, OMIM 270550.

Submission:

Natera, Inc.
Classification: Likely pathogenic for Charlevoix-Saguenay type spastic ataxia. Last evaluated: 2025-04-24. Review status: criteria provided, single submitter. Criteria: Natera Variant Classification Schema (03/2026). Collection method: clinical testing. Allele origin: germline.
Comment: The c.5897dup variant in SACS is a frameshift variant predicted to shift the reading frame beginning at codon 1966 and leads to a stop codon 16 codons downstream. This variant is expected to result in nonsense mediated decay, truncation, or a dysfunctional protein product. This variant is rare in the general population with a frequency below the threshold expected for the associated phenotype(s). Given the available evidence, this variant is classified as Likely Pathogenic.